The following is an entry in ClinVar:

NM_001271.4(CHD2):c.5076C>A (p.Asn1692Lys)

Gene: CHD2 (chromodomain helicase DNA binding protein 2; plus strand). Cytogenetic location: 15q26.1.
Variant type: single nucleotide variant.
Coding change: c.5076C>A on transcript NM_001271.4 (MANE Select); coding-DNA position 5076, C replaced by A.
Protein change: p.Asn1692Lys; replaces asparagine 1692 with lysine.
Molecular consequence: missense variant.
Genome position (GRCh38, 1-based): chr15:93,020,181, C>A. VCF-style: chr15-93020181-C-A. GRCh37 (hg19) VCF-style: chr15-93563411-C-A.
Other names: short protein forms N1692K.
Identifiers: ClinVar variation 3636694 (VCV003636694.2).

ClinVar aggregate classification (germline): Uncertain significance (1 of 4 stars; one submission).

Conditions:
Developmental and epileptic encephalopathy 94 (DEE94). Also called: Epileptic encephalopathy, childhood-onset; CHD2-Related Neurodevelopmental Disorders. Identifiers: Orphanet 1942, Orphanet 2382, MedGen C3809278, MONDO:0014150, OMIM 615369.

Submission:

Labcorp Genetics (formerly Invitae), Labcorp
Classification: Uncertain significance for Developmental and epileptic encephalopathy 94. Last evaluated: 2024-09-04. Review status: criteria provided, single submitter. Criteria: Invitae Variant Classification Sherloc (09022015). Collection method: clinical testing. Allele origin: germline.
Comment: This sequence change replaces asparagine, which is neutral and polar, with lysine, which is basic and polar, at codon 1692 of the CHD2 protein (p.Asn1692Lys). This variant is not present in population databases (gnomAD no frequency). This variant has not been reported in the literature in individuals affected with CHD2-related conditions. Invitae Evidence Modeling of protein sequence and biophysical properties (such as structural, functional, and spatial information, amino acid conservation, physicochemical variation, residue mobility, and thermodynamic stability) indicates that this missense variant is not expected to disrupt CHD2 protein function with a negative predictive value of 95%. In summary, the available evidence is currently insufficient to determine the role of this variant in disease. Therefore, it has been classified as a Variant of Uncertain Significance.